The following is an entry in ClinVar:

NM_001458.5(FLNC):c.3791-14_3895del

Gene: FLNC (filamin C; plus strand). Cytogenetic location: 7q32.1.
Variant type: Deletion.
Coding change: c.3791-14_3895del on transcript NM_001458.5 (MANE Select); 14 bases into the intron before coding-DNA position 3791 through coding-DNA position 3895, 119 bases deleted.
Molecular consequence: splice acceptor variant.
Genome position (GRCh38, 1-based): chr7:128,845,976-128,846,094, 119 bases deleted. GRCh37 (hg19): chr7:128,486,030-128,486,148.
Other names: c.3791-14_3895del (NM_001127487.2).
Identifiers: ClinVar variation 4812496 (VCV004812496.1).

ClinVar aggregate classification (germline): Likely pathogenic (1 of 4 stars; one submission).

Conditions:
Hypertrophic cardiomyopathy 26. Also called: Cardiomyopathy, familial hypertrophic, 26. Identifiers: Orphanet 75249, MedGen C4310749, MONDO:0014883, OMIM 617047.
Myofibrillar myopathy 5. Also called: Filaminopathy (type); FILAMINOPATHY, AUTOSOMAL DOMINANT. Identifiers: Orphanet 171445, MedGen C1836050, MONDO:0012289, OMIM 609524.
Distal myopathy with posterior leg and anterior hand involvement. Also called: WILLIAMS DISTAL MYOPATHY. Identifiers: Orphanet 63273, MedGen C3279722, MONDO:0013550, OMIM 614065.

Submission:

Labcorp Genetics (formerly Invitae), Labcorp
Classification: Likely pathogenic for Distal myopathy with posterior leg and anterior hand involvement; Myofibrillar myopathy 5; Hypertrophic cardiomyopathy 26. Last evaluated: 2025-06-07. Review status: criteria provided, single submitter. Criteria: Invitae Variant Classification Sherloc (09022015). Collection method: clinical testing. Allele origin: germline.
Comment: This variant results in the deletion of part of exon 22 (c.3791-14_3895del) of the FLNC gene. It is expected to disrupt RNA splicing. Variants that disrupt the donor or acceptor splice site typically lead to a loss of protein function (PMID: 16199547), and loss-of-function variants in FLNC are known to be pathogenic (PMID: 27908349). This variant is not present in population databases (gnomAD no frequency). This variant has not been reported in the literature in individuals affected with FLNC-related conditions. In summary, the currently available evidence indicates that the variant is pathogenic, but additional data are needed to prove that conclusively. Therefore, this variant has been classified as Likely Pathogenic.

Literature cited by the submitters: PubMed 16199547; PubMed 27908349.